The following is an entry in ClinVar:

ClinVar aggregate classification (germline): Pathogenic. Review status: criteria provided, multiple submitters, no conflicts (2 of 4 stars). 21 submissions from 21 submitters: Pathogenic (17). 4 of the submissions do not count toward it. Last evaluated 2026-01-29.

Conditions:
Hereditary persistence of fetal hemoglobin. Identifiers: MedGen C0019025, MONDO:0020989, OMIM 141749.
METHEMOGLOBINEMIA, BETA TYPE. Also called: Methemoglobinemia, beta-globin type. Identifiers: MedGen C1840779, OMIM 617971.
Malaria, susceptibility to. Identifiers: Orphanet 673, MedGen C1970028, MONDO:0021024, OMIM 611162.
Dominant beta-thalassemia. Also called: Beta-thalassemia, dominant inclusion body type. Identifiers: Orphanet 231226, Orphanet 848, MedGen C1858990, MONDO:0011381, OMIM 603902.
Beta-thalassemia HBB/LCRB. Identifiers: MedGen CN322236, MONDO:0013517, OMIM 613985.
Erythrocytosis, familial, 6. Also called: ERYTHROCYTOSIS, BETA-GLOBIN TYPE; POLYCYTHEMIA, BETA-GLOBIN TYPE. Identifiers: MedGen C4693822, MONDO:0054801, OMIM 617980.
Hb SS disease (SCD). Also called: Hemoglobin SS; Sickle cell anemia; Sickle cell disease; HbS disease; Hemoglobin S Disease; Sickling disorder due to hemoglobin S. Identifiers: Orphanet 232, Orphanet 275752, MedGen C0002895, MONDO:0011382, OMIM 603903.
Heinz body anemia. Also called: Heinz body hemolytic anemia. Identifiers: Orphanet 178330, MedGen C0700299, MONDO:0007705, OMIM 140700, HP:0005511.
HBB-related disorder. Also called: HBB-related disorders; HBB-related condition. Identifiers: MedGen CN239378.
Inborn genetic diseases. Identifiers: MedGen C0950123, MeSH D030342.
beta Thalassemia (BTHAL). Also called: Cooley's anemia; Erythroblastic anemia; Mediterranean anemia. Identifiers: Orphanet 848, MedGen C0005283, MONDO:0019402. Disease mechanism: loss of function.
Beta zero thalassemia. Identifiers: MedGen C0271980.

gnomAD v4.1: 45 of 1,612,762 alleles (0.0028%); highest among the groups gnomAD compares: South Asian, 0.045%; no homozygotes.

Submissions 1 to 9 of 21:

PreventionGenetics, part of Exact Sciences
Classification: Pathogenic for HBB-related condition. Last evaluated: 2026-01-29. Review status: criteria provided, single submitter. Criteria: ACMG Guidelines, 2015. Collection method: clinical testing. Allele origin: germline.
Comment: The HBB c.92+1G>T variant is predicted to disrupt the GT donor site and interfere with normal splicing. This variant, previously described as IVS I -1G>T, has been reported to be causative for beta-thalassemia with highest frequencies for the variant being found in Indian and Thai populations (Edison et al. 2008. PubMed ID: 18294253; Muhammad et al. 2017. PubMed ID: 28635337; Kazazian et al 1984. PubMed ID: 6714226; Chetruengchai et al. 2024. PubMed ID: 38167091). Another substitution at the same position, c.92+1G>A,  has also been found in individuals with beta-thalassemia (Faustino et al. 1992. PubMed ID: 1634236; Waye et al. 2002. PubMed ID: 11939519). This variant is reported in 0.059% of alleles in individuals of South Asian descent in gnomAD. Variants that disrupt the consensus splice donor site in HBB are expected to be pathogenic. The c.92G>T variant is interpreted as pathogenic.

Labcorp Genetics (formerly Invitae), Labcorp
Classification: Pathogenic. Last evaluated: 2025-12-22. Review status: criteria provided, single submitter. Criteria: Invitae Variant Classification Sherloc (09022015). Collection method: clinical testing. Allele origin: germline.
Comment: This sequence change affects a donor splice site in intron 1 of the HBB gene. It is expected to disrupt RNA splicing. Variants that disrupt the donor or acceptor splice site typically lead to a loss of protein function (PMID: 16199547), and loss-of-function variants in HBB are known to be pathogenic (PMID: 23637309). This variant is present in population databases (rs33971440, gnomAD 0.06%). Disruption of this splice site has been observed in individuals with autosomal recessive beta thalassemia (PMID: 9450794, 22335963, 25849334, 27263053, 29695942). It is commonly reported in individuals of South Asian ancestry (PMID: 9450794, 22335963, 27263053). This variant is also known as "IVS1-1 G-T". ClinVar contains an entry for this variant (Variation ID: 15437). Algorithms developed to predict the effect of sequence changes on RNA splicing suggest that this variant may disrupt the consensus splice site. For these reasons, this variant has been classified as Pathogenic.

Natera, Inc.
Classification: Pathogenic for Beta thalassemia. Last evaluated: 2025-11-19. Review status: criteria provided, single submitter. Criteria: Natera Variant Classification Schema (03/2026). Collection method: clinical testing. Allele origin: germline.
Comment: The c.92+1G>T variant in HBB is a canonical splice donor site variant predicted to affect pre-mRNA splicing, which may result in an abnormal transcript and altered protein product. This variant is expected to result in nonsense mediated decay, truncation, or a dysfunctional protein product. This variant is rare in the general population with a frequency below the threshold expected for the associated phenotype(s). This variant has been observed in one or more individuals affected with the associated recessive disease, as either homozygous or compound heterozygous with a second variant (PMID: 9450794). Another variant at this same site results in an alteration predicted to cause a similar molecular effect has been observed in individual(s) with the associated phenotype. Given the available evidence, this variant is classified as Pathogenic.

Genesolutions, Medical Genetics Institutes, Ho Chi Minh City, Vietnam
Classification: Pathogenic for Beta-thalassemia HBB/LCRB. Last evaluated: 2025-09-24. Review status: criteria provided, single submitter. Criteria: ACMG Guidelines, 2015. Collection method: clinical testing. Allele origin: germline. Affected: yes.

Victorian Clinical Genetics Services, Murdoch Childrens Research Institute
Classification: Pathogenic for Beta-thalassemia HBB/LCRB. Last evaluated: 2025-09-15. Review status: criteria provided, single submitter. Criteria: ACMG Guidelines, 2015. Collection method: clinical testing. Allele origin: germline.
Comment: This variant is classified as Pathogenic. Evidence in support of pathogenic classification: Canonical splice site variant without proven consequence on splicing (no functional evidence available); Variant is present in gnomAD <0.01 (v4: 45 heterozygote(s), 0 homozygote(s)); This variant has strong previous evidence of pathogenicity in unrelated individuals. This variant has been classified as pathogenic by multiple clinical laboratories (ClinVar); Abnormal splicing is predicted by in silico tool and affected nucleotide is highly conserved. Additional information: This variant is heterozygous; This gene is associated with both recessive and dominant disease (OMIM); Loss of function is a known mechanism of disease in this gene and is associated with HBB-related haemoglobinopathies, including beta thalassaemia (OMIM). Dominant negative is also a suggested mechanism (PMID: 29700171); Variants in this gene are known to have variable expressivity. Variable severity has been reported in sickle cell patients carrying the same variants (PMID: 31788855). In addition, clinical severity of beta thalassaemia patients is also dependent on whether variants in HBB are heterozygous, homozygous or compound heterozygous, and the amount of residual protein that is expressed (PMID: 20301599).

ARUP Laboratories, Molecular Genetics and Genomics, ARUP Laboratories
Classification: Pathogenic. Last evaluated: 2025-07-23. Review status: criteria provided, single submitter. Criteria: ARUP Molecular Germline Variant Investigation Process 2024. Collection method: clinical testing. Allele origin: germline.
Comment: The HBB c.92+1G>T variant (also known as IVS-I-1 G->T, rs33971440, HbVar ID: 818) is predicted to cause a loss of the canonical donor splice site and has been associated with beta(0) thalassemia (see HbVar link, Kazazian 1984); therefore this variant is considered to be pathogenic. References: Link to HbVar database: Kazazian HH Jr et al. (1984) Molecular characterization of seven beta-thalassemia mutations in Asian Indians. EMBO J. 3(3):593-6. PMID: 6714226

3billion
Classification: Pathogenic for Beta-thalassemia HBB/LCRB. Last evaluated: 2025-04-18. Review status: criteria provided, single submitter. Criteria: ACMG Guidelines, 2015. Collection method: clinical testing. Allele origin: germline. Affected: yes.
Comment: The variant is observed at an extremely low frequency in the gnomAD v4.1.0 dataset (total allele frequency: 0.003%). Predicted Consequence/Location: Canonical splice site: predicted to alter splicing and result in a loss or disruption of normal protein function. Multiple pathogenic loss-of-function variants are reported downstream of the variant. In silico tools predict the variant to alter splicing and produce an abnormal transcript [SpliceAI: 0.98 (spliceogenicity >=0.2, non-spliceogenicity <0.1)]. The variant has been reported at least twice as pathogenic with clinical assertions and evidence for the classification (ClinVar ID: VCV000015437 / PMID: 6714226 / 3billion dataset). Therefore, this variant is classified as Pathogenic according to the recommendation of ACMG/AMP guideline.

Fulgent Genetics
Classification: Pathogenic for Heinz body anemia; Hereditary persistence of fetal hemoglobin; Dominant beta-thalassemia; Hb SS disease; Malaria, susceptibility to; Beta-thalassemia HBB/LCRB; METHEMOGLOBINEMIA, BETA TYPE; Erythrocytosis, familial, 6. Last evaluated: 2024-04-06. Review status: criteria provided, single submitter. Criteria: ACMG Guidelines, 2015. Collection method: clinical testing. Allele origin: germline.

Revvity Omics, Revvity
Classification: Pathogenic. Last evaluated: 2023-08-21. Review status: criteria provided, single submitter. Criteria: ACMG Guidelines, 2015. Collection method: clinical testing. Allele origin: germline.

NM_000518.5(HBB):c.92+1G>T

Genes: HBB (hemoglobin subunit beta; minus strand), LOC106099062 (HBB recombination region; plus strand), LOC107133510 (origin of replication at HBB; plus strand). Cytogenetic location: 11p15.4.
Variant type: single nucleotide variant.
Coding change: c.92+1G>T on transcript NM_000518.5 (MANE Select); the canonical splice donor site of the intron after coding-DNA position 92, G replaced by T.
Molecular consequence: splice donor variant.
Genome position (GRCh38, 1-based): chr11:5,226,929, C>A on the plus strand (G>T on the coding strand, the complement: HBB is on the minus strand). VCF-style: chr11-5226929-C-A. GRCh37 (hg19) VCF-style: chr11-5248159-C-A.
Other names: IVS I-1 (G>T); IVS-I-1; IVS1, G-T, +1.
Identifiers: ClinVar variation 15437 (VCV000015437.130), dbSNP rs33971440, ClinGen allele CA125304.